The following is an entry in ClinVar:

NM_000540.3(RYR1):c.5117T>G (p.Leu1706Arg)

Gene: RYR1 (ryanodine receptor 1; plus strand). Cytogenetic location: 19q13.2.
Variant type: single nucleotide variant.
Coding change: c.5117T>G on transcript NM_000540.3 (MANE Select); coding-DNA position 5117, T replaced by G.
Protein change: p.Leu1706Arg; replaces leucine 1706 with arginine.
Molecular consequence: missense variant.
Genome position (GRCh38, 1-based): chr19:38,485,772, T>G. VCF-style: chr19-38485772-T-G. GRCh37 (hg19) VCF-style: chr19-38976412-T-G.
Other names: c.5117T>G, p.Leu1706Arg (NM_001042723.2); short protein forms L1706R.
Identifiers: ClinVar variation 4818959 (VCV004818959.1).
Genomic context (GRCh38, chr19:38,485,772, plus strand): 5'-GCCACGTAGACCAAGCTCAGCTGCTGCACGCCCTGGAGGACGCGCACCTGCCAGGCCCAC[T>G]GCGCGCAGGCTACTATGACCTCCTCATCAGCATCCACCTCGAAAGTGCCTGCCGCAGCCG-3'
Protein context (NP_000531.2, residues 1696-1716): ALEDAHLPGP[Leu1706Arg]RAGYYDLLIS

ClinVar aggregate classification (germline): Uncertain significance (1 of 4 stars; one submission).

Conditions:
RYR1-related myopathy. Identifiers: Orphanet 98742, MedGen CN305348, MONDO:0100150.

Submission:

Victorian Clinical Genetics Services, Murdoch Childrens Research Institute
Classification: Uncertain significance for RYR1-related myopathy. Last evaluated: 2025-12-15. Review status: criteria provided, single submitter. Criteria: ACMG Guidelines, 2015. Collection method: clinical testing. Allele origin: germline. Affected: yes.
Comment: This variant is classified as VUS-3A. Evidence in support of pathogenic classification: Variant is absent from gnomAD (v2, v3 and v4); Missense variant predicted to be damaging by in silico tool(s) or highly conserved with a major amino acid change. Additional information: Variant is predicted to result in a missense amino acid change from Leu to Arg; This variant is heterozygous; This gene is associated with both recessive and dominant disease (OMIM); This variant has no previous evidence of pathogenicity; No published evidence of segregation with disease has been identified for this variant; No published functional evidence has been identified for this variant; No comparable missense variants have previous evidence for pathogenicity; Variant is located in the annotated ryanodine receptor junctional solenoid repeat (DECIPHER). - Loss of function and gain of function are known mechanisms of disease in this gene and are associated with RYR1-related disorders (OMIM). A gain of function mechanism has been described in the context of malignant hyperthermia susceptibility 1 (MIM#145600) and autosomal dominant congenital myopathy 1A with susceptibility to malignant hyperthermia (MIM#117000). Autosomal recessive congenital myopathy 1B (MIM#255320) is associated with a loss of function mechanism (PMIDs: 27855725, 23919265). The mechanism of King-Denborough syndrome (MIM#619542) is unclear.

Literature cited by the submitters: PubMed 27855725; PubMed 23919265.